The following is an entry in ClinVar:

ClinVar aggregate classification (germline): Uncertain significance (1 of 4 stars; one submission).

Conditions:
Chédiak-Higashi syndrome (CHS). Also called: Chediak-Higashi Syndrome. Identifiers: Orphanet 167, MedGen C0007965, MONDO:0008963, OMIM 214500.

Allele frequency attached by ClinVar (database versions not stated): gnomAD exomes below 0.00001; TOPMed below 0.00001; ExAC 0.00001.
gnomAD v4.1: 2 of 1,614,084 alleles (0.00012%); highest among the groups gnomAD compares: Non-Finnish European, 0.00017%; no homozygotes.

Submission:

Labcorp Genetics (formerly Invitae), Labcorp
Classification: Uncertain significance for Chédiak-Higashi syndrome. Last evaluated: 2022-09-27. Review status: criteria provided, single submitter. Criteria: Invitae Variant Classification Sherloc (09022015). Collection method: clinical testing. Allele origin: germline.
Comment: This sequence change replaces aspartic acid, which is acidic and polar, with asparagine, which is neutral and polar, at codon 840 of the LYST protein (p.Asp840Asn). This variant is present in population databases (rs759526929, gnomAD 0.0009%). This variant has not been reported in the literature in individuals affected with LYST-related conditions. ClinVar contains an entry for this variant (Variation ID: 1394545). Advanced modeling of protein sequence and biophysical properties (such as structural, functional, and spatial information, amino acid conservation, physicochemical variation, residue mobility, and thermodynamic stability) performed at Invitae indicates that this missense variant is not expected to disrupt LYST protein function. In summary, the available evidence is currently insufficient to determine the role of this variant in disease. Therefore, it has been classified as a Variant of Uncertain Significance.

NM_000081.4(LYST):c.2518G>A (p.Asp840Asn)

Gene: LYST (lysosomal trafficking regulator; minus strand). Cytogenetic location: 1q42.3.
Variant type: single nucleotide variant.
Coding change: c.2518G>A on transcript NM_000081.4 (MANE Select); coding-DNA position 2518, G replaced by A.
Protein change: p.Asp840Asn; replaces aspartic acid 840 with asparagine.
Molecular consequence: missense variant.
Genome position (GRCh38, 1-based): chr1:235,806,618, C>T on the plus strand (G>A on the coding strand, the complement: LYST is on the minus strand). VCF-style: chr1-235806618-C-T. GRCh37 (hg19) VCF-style: chr1-235969918-C-T.
Other names: c.2518G>A, p.Asp840Asn (NM_001301365.1); short protein forms D840N.
Identifiers: ClinVar variation 1394545 (VCV001394545.5), dbSNP rs759526929, ClinGen allele CA1467261.
Genomic context (GRCh38, chr1:235,806,618, plus strand): 5'-GATGAAAAGAAGTACCCACATGTACAGAGGACAACTCCTTCTGTTCAATGTCTATCCCAT[C>T]AATATCTGGAACTGAGGCATCTTTCTGTTGCTCCCCTAGGCTGATTATCAGAGTTTCAAA-3'
Protein context (NP_000072.2, residues 830-850): QQKDASVPDI[Asp840Asn]GIDIEQKELS